The following is an entry in ClinVar:

NM_015100.4(POGZ):c.1180_1181del (p.Met394fs)

Gene: POGZ (pogo transposable element derived with ZNF domain; minus strand). Cytogenetic location: 1q21.3.
Variant type: Deletion.
Coding change: c.1180_1181del on transcript NM_015100.4 (MANE Select); coding-DNA positions 1180 to 1181, 2 bases deleted (AT; older notation c.1180_1181delAT).
Protein change: p.Met394fs; shifts the reading frame from methionine 394.
Molecular consequence: frameshift variant.
Genome position (GRCh38, 1-based): chr1:151,424,959-151,424,960, AT deleted on the plus strand (AT on the coding strand, the reverse complement: POGZ is on the minus strand). VCF-style (leftmost placement, unchanged base first): chr1-151424958-CAT-C. GRCh37 (hg19) VCF-style: chr1-151397434-CAT-C.
Other names: c.1153_1154del, p.Met385fs (NM_001194937.2); c.994_995del, p.Met332fs (NM_001194938.2); c.895_896del, p.Met299fs (NM_145796.4); c.1021_1022del, p.Met341fs (NM_207171.2); short protein forms M332fs, M385fs, M299fs, M341fs, M394fs.
Identifiers: ClinVar variation 373048 (VCV000373048.29), dbSNP rs1057518170, ClinGen allele CA16042296.

ClinVar aggregate classification (germline): Pathogenic. Review status: criteria provided, multiple submitters, no conflicts (2 of 4 stars). 16 submissions from 16 submitters: Pathogenic (15). 1 of the submissions does not count toward it. Last evaluated 2025-02-16.

Conditions:
Intellectual disability-microcephaly-strabismus-behavioral abnormalities syndrome. Also called: White-Sutton Syndrome. Identifiers: Orphanet 468678, MedGen C4225351, MONDO:0014606, OMIM 616364.
Neurodevelopmental disorder. Identifiers: MedGen C1535926, MeSH D065886, MONDO:0700092.
POGZ-related disorder. Also called: POGZ-related condition.
dysmorphy. Identifiers: MedGen CN239859.
intellectual deficiency. Identifiers: MedGen CN228659.
Inborn genetic diseases. Identifiers: MedGen C0950123, MeSH D030342.

Allele frequency attached by ClinVar (database versions not stated): gnomAD exomes below 0.00001.

Submissions (16):

Laboratory of Genetics, Children's Clinical University Hospital Latvia
Classification: Pathogenic. Last evaluated: 2025-02-16. Review status: criteria provided, single submitter. Criteria: ACMG Guidelines, 2015. Collection method: clinical testing. Allele origin: germline. Affected: yes.

CeGaT Center for Human Genetics Tuebingen
Classification: Pathogenic. Last evaluated: 2025-02-01. Review status: criteria provided, single submitter. Criteria: CeGaT Center For Human Genetics Tuebingen Variant Classification Criteria Version 2. Collection method: clinical testing. Allele origin: germline. Affected: yes. Observed: 2 variant alleles.
Comment: POGZ: PVS1, PS2, PM2, PS4:Moderate

Institute of Human Genetics, University of Leipzig Medical Center
Classification: Pathogenic for Intellectual disability-microcephaly-strabismus-behavioral abnormalities syndrome. Last evaluated: 2024-07-05. Review status: criteria provided, single submitter. Criteria: ACMG Guidelines, 2015. Collection method: clinical testing. Allele origin: de novo. Inheritance: Autosomal dominant inheritance. Affected: yes.
Comment: Criteria applied: PVS1,PS2,PS4_MOD,PM2_SUP

Ambry Genetics
Classification: Pathogenic for Inborn genetic diseases. Last evaluated: 2024-02-05. Review status: criteria provided, single submitter. Criteria: Ambry Variant Classification Scheme 2023. Collection method: clinical testing. Allele origin: germline.
Comment: The c.1180_1181delAT (p.M394Vfs*9) alteration, located in coding exon 7 of the POGZ gene, consists of a deletion of 2 nucleotides from position 1180 to 1181, causing a translational frameshift with a predicted alternate stop codon after 9 amino acids. This alteration is expected to result in loss of function by premature protein truncation or nonsense-mediated mRNA decay. This variant was not reported in population-based cohorts in the Genome Aggregation Database (gnomAD). This variant has been reported as a de novo finding in multiple unrelated individuals diagnosed with POGZ-related intellectual disability syndrome or White-Sutton syndrome (Deciphering Developmental Disorders, 2017; Assia Batzir, 2020; Garde, 2021). Based on the available evidence, this alteration is classified as pathogenic.

PreventionGenetics, part of Exact Sciences
Classification: Pathogenic for POGZ-related condition. Last evaluated: 2023-08-24. Review status: criteria provided, single submitter. Criteria: ACMG Guidelines, 2015. Collection method: clinical testing. Allele origin: germline.
Comment: The POGZ c.1180_1181delAT variant is predicted to result in a frameshift and premature protein termination (p.Met394Valfs*9). This variant has been reported to occur de novo in at least 5 individuals with White-Sutton syndrome (PT20 in Assia Batzir et al. 2019. PubMed ID: 31782611; Supp. Table S5, Zhao et al. 2020. PubMed ID: 32381727; Patient 15 and 16 in Garde et al. 2020. PubMed ID: 33277917; Liu et al. 2022. PubMed ID: 35346302). This variant was also reported in a mother and her two children that all had features of White-Sutton syndrome (Valentino et al. 2021. PubMed ID: 34356170). This variant has not been reported in a large population database, indicating this variant is rare. Frameshift variants in POGZ are expected to be pathogenic. This variant is interpreted as pathogenic.

Genome-Nilou Lab
Classification: Pathogenic for Intellectual disability-microcephaly-strabismus-behavioral abnormalities syndrome. Last evaluated: 2023-04-11. Review status: criteria provided, single submitter. Criteria: ACMG Guidelines, 2015. Collection method: clinical testing. Allele origin: germline. Affected: no.

Blueprint Genetics
Classification: Pathogenic for POGZ-related disorders. Last evaluated: 2023-02-17. Review status: criteria provided, single submitter. Criteria: ACMG Guidelines, 2015. Collection method: clinical testing. Allele origin: de novo. Affected: yes. Observed: 5 variant alleles.

Medical Genetics Center, Maternal and Child Health Hospital of Hubei Province
Classification: Pathogenic for Intellectual disability-microcephaly-strabismus-behavioral abnormalities syndrome. Last evaluated: 2022-08-12. Review status: criteria provided, single submitter. Criteria: ACMG Guidelines, 2015. Collection method: clinical testing. Allele origin: paternal. Affected: yes.
Comment: PVS1 + PM2_Supporting + PS2_Supporting + PM6_Supporting

Clinical Genetics Laboratory, Skane University Hospital Lund
Classification: Pathogenic. Last evaluated: 2022-05-27. Review status: criteria provided, single submitter. Criteria: ACMG Guidelines, 2015. Collection method: clinical testing. Allele origin: germline. Affected: yes.

Laboratory of Molecular Genetics (Pr. Bezieau's lab), CHU de Nantes
Classification: Pathogenic for Neurodevelopmental disorder. Last evaluated: 2022-04-05. Review status: criteria provided, single submitter. Criteria: ACMG Guidelines, 2015. Collection method: clinical testing. Allele origin: germline. Affected: yes.

Provincial Medical Genetics Program of British Columbia, University of British Columbia
Classification: Pathogenic for Intellectual disability-microcephaly-strabismus-behavioral abnormalities syndrome. Last evaluated: 2022-01-01. Review status: criteria provided, single submitter. Criteria: ACMG Guidelines, 2015. Collection method: clinical testing. Allele origin: germline. Affected: yes.

Genetics Laboratory, UDIAT-Centre Diagnòstic, Hospital Universitari Parc Tauli
Classification: Pathogenic. Last evaluated: 2021-04-26. Review status: criteria provided, single submitter. Criteria: Parc Tauli Hospital Assertion Criteria 2021. Collection method: clinical testing. Allele origin: de novo. Inheritance: Autosomal dominant inheritance. Affected: yes. Observed: 1 heterozygote.
Comment: PVS1_very strong;PM2_supporting;PM6_moderate;PP5_supporting

GeneDx
Classification: Pathogenic. Last evaluated: 2016-10-27. Review status: criteria provided, single submitter. Criteria: GeneDx Variant Classification (06012015). Collection method: clinical testing. Allele origin: germline. Affected: yes.
Comment: The c.1180_1181delAT pathogenic variant in the POGZ gene has not been reported previously as apathogenic variant nor as a benign variant, to our knowledge. The c.1180_1181delAT variant causes aframeshift starting with codon Methionine 394, changes this amino acid to a Valine residue, andcreates a premature Stop codon at position 9 of the new reading frame, denoted p.Met394ValfsX9.This variant is predicted to cause loss of normal protein function either through protein truncation ornonsense-mediated mRNA decay. The c.1180_1181delAT variant was not observed in approximately6500 individuals of European and African American ancestry in the NHLBI Exome SequencingProject, indicating it is not a common benign variant in these populations. We interpretc.1180_1181delAT as a pathogenic variant.

Juno Genomics, Hangzhou Juno Genomics, Inc
Classification: Pathogenic for Intellectual disability-microcephaly-strabismus-behavioral abnormalities syndrome. Review status: criteria provided, single submitter. Criteria: ACMG Guidelines, 2015. Collection method: clinical testing. Allele origin: germline.
Comment: Absent from controls (or at extremely low frequency if recessive) in Genome Aggregation Database.;Null variant in a gene where loss of function (LOF) is a known mechanism of disease.;The prevalence of the variant in affected individuals is significantly increased compared to the prevalence in controls.;Assumed de novo, but without confirmation of paternity and maternity.;Patient's phenotype or family history is highly specific for a disease with a single genetic etiology.

Rady Children's Institute for Genomic Medicine, Rady Children's Hospital San Diego
Classification: Pathogenic for WHITE-SUTTON SYNDROME. Review status: criteria provided, single submitter. Criteria: ACMG Guidelines, 2015. Collection method: clinical testing. Allele origin: germline. Affected: yes. Study: CSER-NYCKidSeq.
Comment: This frameshifting variant in exon 8 of 19 introduces a premature stop codon and is therefore predicted to result in loss of normal protein function through either protein truncation or nonsense-mediated mRNA decay (NMD). This variant has been previously reported as a de novo heterozygous change in individuals with White-Sutton syndrome (PMID: 31782611, 33277917). It is absent from the gnomAD population database and thus is presumed to be rare. Based on the available evidence, the c.1180_1181delAT (p.Met394ValfsTer9) variant is classified as Pathogenic.

Laboratory of Molecular Genetics, CHU Rennes
Classification: Uncertain significance for Intellectual deficiency; dysmorphy. Review status: no assertion criteria provided. Collection method: clinical testing. Allele origin: de novo. Affected: yes. Not counted in ClinVar's aggregate classification.

Literature cited by the submitters: PubMed 28135719 (cited by Ambry Genetics); PubMed 31782611 (cited by Ambry Genetics and Medical Genetics Center, Maternal and Child Health Hospital of Hubei Province); PubMed 33277917 (cited by Ambry Genetics and Medical Genetics Center, Maternal and Child Health Hospital of Hubei Province).